The following is an entry in ClinVar:

ClinVar aggregate classification (germline): Likely benign. Review status: criteria provided, multiple submitters, no conflicts (2 of 4 stars). 3 submissions from 3 submitters: Likely benign (2). 1 of the submissions does not count toward it. Last evaluated 2025-03-06.

Conditions:
TBK1-related disorder. Also called: TBK1-related condition.
Frontotemporal dementia and/or amyotrophic lateral sclerosis 4. Also called: FTDALS4. Identifiers: Orphanet 275872, MedGen C4225325, MONDO:0014641, OMIM 616439.

Allele frequency attached by ClinVar (database versions not stated): gnomAD 0.00001; TOPMed 0.00001; gnomAD exomes 0.00003 and 0.00005; ExAC 0.00005; ESP Exome Variant Server 0.00008.
gnomAD v4.1: 74 of 1,603,914 alleles (0.0046%); highest among the groups gnomAD compares: Non-Finnish European, 0.0063%; no homozygotes.

Submissions (3):

Labcorp Genetics (formerly Invitae), Labcorp
Classification: Likely benign for Frontotemporal dementia and/or amyotrophic lateral sclerosis 4. Last evaluated: 2025-03-06. Review status: criteria provided, single submitter. Criteria: Invitae Variant Classification Sherloc (09022015). Collection method: clinical testing. Allele origin: germline.

CeGaT Center for Human Genetics Tuebingen
Classification: Likely benign. Last evaluated: 2023-01-01. Review status: criteria provided, single submitter. Criteria: CeGaT Center For Human Genetics Tuebingen Variant Classification Criteria Version 2. Collection method: clinical testing. Allele origin: germline. Affected: yes. Observed: 1 variant allele.
Comment: TBK1: BP4

PreventionGenetics, part of Exact Sciences
Classification: Likely benign for TBK1-related condition. Last evaluated: 2023-04-24. Review status: no assertion criteria provided. Collection method: clinical testing. Allele origin: germline. Not counted in ClinVar's aggregate classification.
Comment: This variant is classified as likely benign based on ACMG/AMP sequence variant interpretation guidelines (Richards et al. 2015 PMID: 25741868, with internal and published modifications).

NM_013254.4(TBK1):c.2047T>C (p.Leu683=)

Gene: TBK1 (TANK binding kinase 1; plus strand). Cytogenetic location: 12q14.2.
Variant type: single nucleotide variant.
Coding change: c.2047T>C on transcript NM_013254.4 (MANE Select); coding-DNA position 2047, T replaced by C.
Protein change: p.Leu683=; no amino-acid change (leucine 683 retained).
Molecular consequence: synonymous variant.
Genome position (GRCh38, 1-based): chr12:64,497,735, T>C. VCF-style: chr12-64497735-T-C. GRCh37 (hg19) VCF-style: chr12-64891515-T-C.
Identifiers: ClinVar variation 707413 (VCV000707413.34), dbSNP rs369067312, ClinGen allele CA6669246.